The following is an entry in ClinVar:

NM_199420.4(POLQ):c.6709A>C (p.Thr2237Pro)

Gene: POLQ (DNA polymerase theta; minus strand). Cytogenetic location: 3q13.33.
Variant type: single nucleotide variant.
Coding change: c.6709A>C on transcript NM_199420.4 (MANE Select); coding-DNA position 6709, A replaced by C.
Protein change: p.Thr2237Pro; replaces threonine 2237 with proline.
Molecular consequence: missense variant.
Genome position (GRCh38, 1-based): chr3:121,471,999, T>G on the plus strand (A>C on the coding strand, the complement: POLQ is on the minus strand). VCF-style: chr3-121471999-T-G. GRCh37 (hg19) VCF-style: chr3-121190846-T-G.
Other names: short protein forms T2237P.
Identifiers: ClinVar variation 3230117 (VCV003230117.1), dbSNP rs2546773261, ClinGen allele CA354085139.

ClinVar aggregate classification (germline): Uncertain significance (1 of 4 stars; one submission).

Submission:

Ambry Genetics
Classification: Uncertain significance. Last evaluated: 2023-11-02. Review status: criteria provided, single submitter. Criteria: Ambry Variant Classification Scheme 2023. Collection method: clinical testing. Allele origin: germline.
Comment: The p.T2237P variant (also known as c.6709A>C), located in coding exon 22 of the POLQ gene, results from an A to C substitution at nucleotide position 6709. The threonine at codon 2237 is replaced by proline, an amino acid with highly similar properties. This amino acid position is conserved. In addition, this alteration is predicted to be deleterious by in silico analysis. Since supporting evidence is limited at this time, the clinical significance of this alteration remains unclear.